The following is an entry in ClinVar:

NM_003073.5(SMARCB1):c.986+2T>G

Gene: SMARCB1 (SWI/SNF related BAF chromatin remodeling complex subunit B1; plus strand). Cytogenetic location: 22q11.23.
Variant type: single nucleotide variant.
Coding change: c.986+2T>G on transcript NM_003073.5 (MANE Select); the canonical splice donor site of the intron after coding-DNA position 986, T replaced by G.
Molecular consequence: splice donor variant.
Genome position (GRCh38, 1-based): chr22:23,825,417, T>G. VCF-style: chr22-23825417-T-G. GRCh37 (hg19) VCF-style: chr22-24167604-T-G.
Other names: c.1040+2T>G (NM_001362877.2); c.1013+2T>G (NM_001317946.2); c.959+2T>G (NM_001007468.3).
Identifiers: ClinVar variation 1768428 (VCV001768428.2), dbSNP rs2030331202, ClinGen allele CA410908390.

ClinVar aggregate classification (germline): Likely pathogenic (1 of 4 stars; one submission).

Conditions:
Hereditary cancer-predisposing syndrome. Also called: Hereditary Cancer Syndrome; Hereditary neoplastic syndrome; Neoplastic Syndromes, Hereditary; Tumor predisposition. Identifiers: Orphanet 140162, MedGen C0027672, MeSH D009386, MONDO:0015356.

Submission:

Ambry Genetics
Classification: Likely pathogenic for Hereditary cancer-predisposing syndrome. Last evaluated: 2020-03-20. Review status: criteria provided, single submitter. Criteria: Ambry Variant Classification Scheme 2023. Collection method: clinical testing. Allele origin: germline.
Comment: The c.986+2T>G intronic variant results from a T to G substitution two nucleotides after coding exon 7 in the SMARCB1 gene. This nucleotide position is highly conserved in available vertebrate species. Using the BDGP and ESEfinder splice site prediction tools, this alteration is predicted to abolish the native splice donor site; however, direct evidence is unavailable. Alterations that disrupt the canonical splice site are expected to cause aberrant splicing, resulting in an abnormal protein or a transcript that is subject to nonsense-mediated mRNA decay. As such, this alteration is classified as likely pathogenic.